The following is an entry in ClinVar:

ClinVar aggregate classification (germline): Benign/Likely benign. Review status: criteria provided, multiple submitters, no conflicts (2 of 4 stars). 4 submissions from 4 submitters: Benign (1); Likely benign (2). 1 of the submissions does not count toward it. Last evaluated 2025-10-05.

Conditions:
CREBBP-related disorder. Also called: CREBBP-related condition; CREBBP-related disorders.
Rubinstein-Taybi syndrome (RSTS). Identifiers: Orphanet 783, MedGen C0035934, MONDO:0019188.
Inborn genetic diseases. Identifiers: MedGen C0950123, MeSH D030342.

Allele frequency attached by ClinVar (database versions not stated): gnomAD exomes 0.00001; ExAC 0.00004; ESP Exome Variant Server 0.00008; gnomAD 0.00009; TOPMed 0.00009; 1000 Genomes Project 0.00020; 1000 Genomes Project 30x 0.00031.
gnomAD v4.1: 26 of 1,614,174 alleles (0.0016%); highest among the groups gnomAD compares: African/African-American, 0.032%; no homozygotes.

Submissions (4):

Labcorp Genetics (formerly Invitae), Labcorp
Classification: Benign for Rubinstein-Taybi syndrome. Last evaluated: 2025-10-05. Review status: criteria provided, single submitter. Criteria: Invitae Variant Classification Sherloc (09022015). Collection method: clinical testing. Allele origin: germline.

Blueprint Genetics
Classification: Likely benign. Last evaluated: 2022-08-08. Review status: criteria provided, single submitter. Criteria: ACMG Guidelines, 2015. Collection method: clinical testing. Allele origin: germline.

Ambry Genetics
Classification: Likely benign for Inborn genetic diseases. Last evaluated: 2018-04-13. Review status: criteria provided, single submitter. Criteria: Ambry Variant Classification Scheme 2023. Collection method: clinical testing. Allele origin: germline.

PreventionGenetics, part of Exact Sciences
Classification: Likely benign for CREBBP-related condition. Last evaluated: 2022-01-10. Review status: no assertion criteria provided. Collection method: clinical testing. Allele origin: germline. Not counted in ClinVar's aggregate classification.
Comment: This variant is classified as likely benign based on ACMG/AMP sequence variant interpretation guidelines (Richards et al. 2015 PMID: 25741868, with internal and published modifications).

NM_004380.3(CREBBP):c.1521G>A (p.Gln507=)

Gene: CREBBP (CREB binding lysine acetyltransferase; minus strand). Cytogenetic location: 16p13.3.
Variant type: single nucleotide variant.
Coding change: c.1521G>A on transcript NM_004380.3 (MANE Select); coding-DNA position 1521, G replaced by A.
Protein change: p.Gln507=; no amino-acid change (glutamine 507 retained).
Molecular consequence: synonymous variant.
Genome position (GRCh38, 1-based): chr16:3,782,736, C>T on the plus strand (G>A on the coding strand, the complement: CREBBP is on the minus strand). VCF-style: chr16-3782736-C-T. GRCh37 (hg19) VCF-style: chr16-3832737-C-T.
Other names: c.1407G>A, p.Gln469= (NM_001079846.1).
Identifiers: ClinVar variation 1774438 (VCV001774438.6), dbSNP rs184072951, ClinGen allele CA7870441.
Genomic context (GRCh38, chr16:3,782,736, plus strand): 5'-TCACCTACCCAGGGGGTTGAGAGTCCTCATCTGCTGGTGGGTTTGAGGCTGTGCTGGTTG[C>T]TGGCCAGGAACCTGAGGCTGCAGCTGCGTCTGGGGCTGGTTCATGTAGGGGAGTCCGAGA-3'
Protein context (NP_004371.2, residues 497-517): QTQLQPQVPG[Gln507=]QPAQPQTHQQ